The following is an entry in ClinVar:

NM_006420.3(ARFGEF2):c.2827G>A (p.Ala943Thr)

Gene: ARFGEF2 (ARF guanine nucleotide exchange factor 2; plus strand). Cytogenetic location: 20q13.13.
Variant type: single nucleotide variant.
Coding change: c.2827G>A on transcript NM_006420.3 (MANE Select); coding-DNA position 2827, G replaced by A.
Protein change: p.Ala943Thr; replaces alanine 943 with threonine.
Molecular consequence: missense variant.
Genome position (GRCh38, 1-based): chr20:48,991,052, G>A. VCF-style: chr20-48991052-G-A. GRCh37 (hg19) VCF-style: chr20-47607589-G-A.
Other names: c.2824G>A, p.Ala942Thr (NM_001410846.1); short protein forms A942T, A943T.
Identifiers: ClinVar variation 1923085 (VCV001923085.5), dbSNP rs781049193, ClinGen allele CA9898760.

ClinVar aggregate classification (germline): Uncertain significance (1 of 4 stars; one submission).

Allele frequency attached by ClinVar (database versions not stated): ExAC 0.00001; gnomAD 0.00001.
gnomAD v4.1: 1 of 1,614,002 alleles (0.000062%); highest among the groups gnomAD compares: Admixed American, 0.0017%; no homozygotes.

Submission:

Labcorp Genetics (formerly Invitae), Labcorp
Classification: Uncertain significance. Last evaluated: 2024-11-05. Review status: criteria provided, single submitter. Criteria: Invitae Variant Classification Sherloc (09022015). Collection method: clinical testing. Allele origin: germline.
Comment: This sequence change replaces alanine, which is neutral and non-polar, with threonine, which is neutral and polar, at codon 943 of the ARFGEF2 protein (p.Ala943Thr). This variant is present in population databases (rs781049193, gnomAD no frequency). This variant has not been reported in the literature in individuals affected with ARFGEF2-related conditions. ClinVar contains an entry for this variant (Variation ID: 1923085). An algorithm developed to predict the effect of missense changes on protein structure and function (PolyPhen-2) suggests that this variant is likely to be disruptive. In summary, the available evidence is currently insufficient to determine the role of this variant in disease. Therefore, it has been classified as a Variant of Uncertain Significance.